The following is an entry in ClinVar:

NM_001008212.2(OPTN):c.1003C>T (p.Gln335Ter)

Gene: OPTN (optineurin; plus strand). Cytogenetic location: 10p13.
Variant type: single nucleotide variant.
Coding change: c.1003C>T on transcript NM_001008212.2 (MANE Select); coding-DNA position 1003, C replaced by T.
Protein change: p.Gln335Ter; replaces glutamine 335 with a stop codon.
Molecular consequence: nonsense.
Genome position (GRCh38, 1-based): chr10:13,125,422, C>T. VCF-style: chr10-13125422-C-T. GRCh37 (hg19) VCF-style: chr10-13167422-C-T.
Other names: c.1003C>T, p.Gln335Ter (NM_001008211.1, NM_001008213.1, NM_021980.4); short protein forms Q335*.
Identifiers: ClinVar variation 1775090 (VCV001775090.5), dbSNP rs746420444, ClinGen allele CA5410837.
Genomic context (GRCh38, chr10:13,125,422, plus strand): 5'-GCCACTGCGACGTAAAGGAGCATTGTTTATCCTCATGAAATCTTGACCTTTCTTAGGTGT[C>T]AGGCCCTTGAAAGGAAAAATTCTGCAATTCCATCAGAGTTGAATGAAAAGCAAGAGCTTG-3'

ClinVar aggregate classification (germline): Pathogenic. Review status: criteria provided, multiple submitters, no conflicts (2 of 4 stars). 3 submissions from 3 submitters: Pathogenic (2). 1 of the submissions does not count toward it. Last evaluated 2025-02-12.

Conditions:
Inborn genetic diseases. Identifiers: MedGen C0950123, MeSH D030342.
Primary open angle glaucoma (POAG). Also called: OPTN-related open angle glaucoma. Identifiers: MedGen C0339573, MONDO:0100553, OMIM 137760.
Glaucoma 1, open angle, E. Identifiers: MedGen C1842026, MONDO:0007665.
Amyotrophic lateral sclerosis type 12 (ALS12). Also called: AMYOTROPHIC LATERAL SCLEROSIS 12 WITH OR WITHOUT FRONTOTEMPORAL DEMENTIA. Identifiers: Orphanet 803, MedGen C3150692, MONDO:0013264, OMIM 613435.
OPTN-related disorder. Also called: OPTN-related condition; OPTN-related disorders.

Allele frequency attached by ClinVar (database versions not stated): ExAC 0.00002; gnomAD exomes 0.00002.
gnomAD v4.1: 24 of 1,614,022 alleles (0.0015%); highest among the groups gnomAD compares: Non-Finnish European, 0.0019%; no homozygotes.

Submissions (3):

Labcorp Genetics (formerly Invitae), Labcorp
Classification: Pathogenic for Primary open angle glaucoma; Glaucoma 1, open angle, E; Amyotrophic lateral sclerosis type 12. Last evaluated: 2025-02-12. Review status: criteria provided, single submitter. Criteria: Invitae Variant Classification Sherloc (09022015). Collection method: clinical testing. Allele origin: germline.
Comment: This sequence change creates a premature translational stop signal (p.Gln335*) in the OPTN gene. It is expected to result in an absent or disrupted protein product. Loss-of-function variants in OPTN are known to be pathogenic (PMID: 20428114). This variant is present in population databases (rs746420444, gnomAD 0.004%). This variant has not been reported in the literature in individuals affected with OPTN-related conditions. ClinVar contains an entry for this variant (Variation ID: 1775090). Algorithms developed to predict the effect of sequence changes on RNA splicing suggest that this variant may disrupt the consensus splice site. For these reasons, this variant has been classified as Pathogenic.

Ambry Genetics
Classification: Pathogenic for Inborn genetic diseases. Last evaluated: 2022-12-19. Review status: criteria provided, single submitter. Criteria: Ambry Variant Classification Scheme 2023. Collection method: clinical testing. Allele origin: germline.
Comment: The c.1003C>T (p.Q335*) alteration, located in exon 9 (coding exon 8) of the OPTN gene, consists of a C to T substitution at nucleotide position 1003. This changes the amino acid from a glutamine (Q) to a stop codon at amino acid position 335. _x000D_ _x000D_ Although biallelic loss of function alterations in OPTN have been associated with autosomal recessive OPTN-related amyotrophic lateral sclerosis, haploinsufficiency for OPTN has not been established as a mechanism of disease for autosomal dominant OPTN-related amyotrophic lateral sclerosis. Based on the available evidence, the OPTN c.1003C>T (p.Q335*) alteration is classified as pathogenic for autosomal recessive OPTN-related amyotrophic lateral sclerosis; however, its clinical significance for autosomal dominant OPTN-related amyotrophic lateral sclerosis is unclear. Based on data from gnomAD, the T allele has an overall frequency of 0.002% (4/251316) total alleles studied. The highest observed frequency was 0.004% (4/113648) of European (non-Finnish) alleles. Based on the available evidence, this alteration is classified as pathogenic.

PreventionGenetics, part of Exact Sciences
Classification: Likely pathogenic for OPTN-related condition. Last evaluated: 2023-11-21. Review status: no assertion criteria provided. Collection method: clinical testing. Allele origin: germline. Not counted in ClinVar's aggregate classification.
Comment: The OPTN c.1003C>T variant is predicted to result in premature protein termination (p.Gln335*). To our knowledge, this variant has not been reported in the literature. This variant is reported in 0.0035% of alleles in individuals of European (Non-Finnish) descent in gnomAD. Nonsense variants in OPTN are expected to be pathogenic. This variant is interpreted as likely pathogenic.

Literature cited by the submitters: PubMed 20428114 (cited by Labcorp Genetics (formerly Invitae), Labcorp).